The following is an entry in ClinVar:

ClinVar aggregate classification (germline): Likely pathogenic. Review status: criteria provided, multiple submitters, no conflicts (2 of 4 stars). 4 submissions from 3 submitters: Likely pathogenic (3). 1 of the submissions does not count toward it. Last evaluated 2025-03-05.

Conditions:
POLYMICROGYRIA WITHOUT VASCULAR-TYPE EHLERS-DANLOS SYNDROME.
Polymicrogyria with or without vascular-type Ehlers-Danlos syndrome. Identifiers: Orphanet 636941, MedGen C5193040, MONDO:0032688, OMIM 618343.
Ehlers-Danlos syndrome, type 4 (EDSVASC). Also called: Ehlers-Danlos syndrome vascular type; Ehlers Danlos syndrome, ecchymotic type; Ehlers Danlos syndrome, arterial type; Ehlers Danlos syndrome, Sack-Barabas type; Ehlers-Danlos Syndrome Type IV. Identifiers: Orphanet 286, MedGen C0268338, MONDO:0017314, OMIM 130050.

Allele frequency attached by ClinVar (database versions not stated): gnomAD exomes below 0.00001.
gnomAD v4.1: 1 of 1,613,184 alleles (0.000062%); highest among the groups gnomAD compares: South Asian, 0.0011%; no homozygotes.

Submissions (4):

Institute of Human Genetics, University of Leipzig Medical Center
Classification: Likely pathogenic for Polymicrogyria with or without vascular-type Ehlers-Danlos syndrome. Last evaluated: 2025-03-05. Review status: criteria provided, single submitter. Criteria: ACMG Guidelines, 2015. Collection method: clinical testing. Allele origin: unknown. Inheritance: Autosomal recessive inheritance. Affected: yes.
Comment: Criteria applied: PM3_STR,PM2,PP4

SIB Swiss Institute of Bioinformatics
Classification: Likely pathogenic for Polymicrogyria with or without vascular-type Ehlers-Danlos syndrome. Last evaluated: 2019-07-08. Review status: criteria provided, single submitter. Criteria: ACMG Guidelines, 2015. Collection method: curation. Allele origin: unknown.
Comment: This variant is interpreted as a Likely pathogenic for Polymicrogyria with or without vascular-type Ehlers-Danlos syndrome, autosomal recessive. The following ACMG Tag(s) were applied: PM2, PM3, PP1-Moderate, PP3.

Institute of Human Genetics, University of Leipzig Medical Center
Classification: Likely pathogenic for Ehlers-Danlos syndrome, type 4. Last evaluated: 2017-01-26. Review status: criteria provided, single submitter. Criteria: ACMG Guidelines, 2015. Collection method: clinical testing. Allele origin: germline. Affected: yes. Observed: 1 variant allele.

OMIM
Classification: Pathogenic for POLYMICROGYRIA WITHOUT VASCULAR-TYPE EHLERS-DANLOS SYNDROME. Last evaluated: 2019-03-07. Review status: no assertion criteria provided. Collection method: literature only. Allele origin: germline. Not counted in ClinVar's aggregate classification.

Literature cited by the submitters: PubMed 28742248 (cited by SIB Swiss Institute of Bioinformatics and OMIM); PubMed 28258187 (cited by SIB Swiss Institute of Bioinformatics and OMIM).

NM_000090.4(COL3A1):c.145C>G (p.Pro49Ala)

Gene: COL3A1 (collagen type III alpha 1 chain; plus strand). Cytogenetic location: 2q32.2.
Variant type: single nucleotide variant.
Coding change: c.145C>G on transcript NM_000090.4 (MANE Select); coding-DNA position 145, C replaced by G.
Protein change: p.Pro49Ala; replaces proline 49 with alanine.
Molecular consequence: missense variant.
Genome position (GRCh38, 1-based): chr2:188,984,825, C>G. VCF-style: chr2-188984825-C-G. GRCh37 (hg19) VCF-style: chr2-189849551-C-G.
Other names: short protein forms P49A.
Identifiers: ClinVar variation 619227 (VCV000619227.5), dbSNP rs1234344050, ClinGen allele CA349846991.